The following is an entry in ClinVar:

ClinVar aggregate classification (germline): Pathogenic (1 of 4 stars; one submission).

Conditions:
Cerebral cavernous malformation (CCM). Also called: CAVERNOUS ANGIOMA, FAMILIAL; CAVERNOUS ANGIOMATOUS MALFORMATIONS; CEREBRAL CAPILLARY MALFORMATIONS; Cerebral cavernous malformations; Cavernous Hemangioma of Brain; Cerebral cavernous hemangioma (type). Identifiers: Orphanet 221061, MedGen C2919945, MONDO:0000820, OMIM 116860, HP:0033522.

Submission:

Labcorp Genetics (formerly Invitae), Labcorp
Classification: Pathogenic for Cerebral cavernous malformation. Last evaluated: 2016-11-11. Review status: criteria provided, single submitter. Criteria: Invitae Variant Classification Sherloc (09022015). Collection method: clinical testing. Allele origin: germline.
Comment: For these reasons, this variant has been classified as Pathogenic. While this particular variant has not been reported in the literature, loss-of-function variants in KRIT1 are known to be pathogenic (PMID: 12404106, 23595507). This sequence change creates a premature translational stop signal at codon 261 (p.Ser261*) of the KRIT1 gene. It is expected to result in an absent or disrupted protein product.

Literature cited by the submitters: PubMed 12404106; PubMed 23595507.

NM_194454.3(KRIT1):c.782C>G (p.Ser261Ter)

Gene: KRIT1 (KRIT1 ankyrin repeat containing; minus strand). Cytogenetic location: 7q21.2.
Variant type: single nucleotide variant.
Coding change: c.782C>G on transcript NM_194454.3 (MANE Select); coding-DNA position 782, C replaced by G.
Protein change: p.Ser261Ter; replaces serine 261 with a stop codon.
Molecular consequence: nonsense.
Genome position (GRCh38, 1-based): chr7:92,234,871, G>C on the plus strand (C>G on the coding strand, the complement: KRIT1 is on the minus strand). VCF-style: chr7-92234871-G-C. GRCh37 (hg19) VCF-style: chr7-91864185-G-C.
Other names: c.782C>G, p.Ser261Ter (NM_001013406.2, NM_001350669.1, NM_001350670.1 and 29 more transcripts); c.68C>G, p.Ser23Ter (NM_001350671.1); short protein forms S261*, S23*.
Identifiers: ClinVar variation 468219 (VCV000468219.7), dbSNP rs1554527817, ClinGen allele CA368158729.
Genomic context (GRCh38, chr7:92,234,871, plus strand): 5'-TCTTCTGTGACACTGCTCATGCTTCTCTGCCATTTTTCCTGTTTAGGTATTTGGATTTTT[G>C]AGTAGTCTGGAGCTCCTAGACCAAAGTATGGATTTATTACCACTTTATCTACCTAGAAAG-3'